The following is an entry in ClinVar:

ClinVar aggregate classification (germline): Uncertain significance. Review status: criteria provided, multiple submitters, no conflicts (2 of 4 stars). 3 submissions from 3 submitters: Uncertain significance (3). Last evaluated 2026-01-08.

Conditions:
Multiple endocrine neoplasia, type 2 (MEN2). Identifiers: Orphanet 653, MedGen C4048306, MONDO:0019003. Disease mechanism: gain of function.
Hereditary cancer-predisposing syndrome. Also called: Neoplastic Syndromes, Hereditary; Tumor predisposition; Hereditary Cancer Syndrome; Hereditary neoplastic syndrome. Identifiers: Orphanet 140162, MedGen C0027672, MeSH D009386, MONDO:0015356.

Allele frequency attached by ClinVar (database versions not stated): ExAC 0.00001; gnomAD exomes 0.00001; TOPMed 0.00001; ESP Exome Variant Server 0.00008.
gnomAD v4.1: 12 of 1,613,998 alleles (0.00074%); highest among the groups gnomAD compares: Middle Eastern, 0.016%; no homozygotes.

Submissions (3):

Labcorp Genetics (formerly Invitae), Labcorp
Classification: Uncertain significance for Multiple endocrine neoplasia, type 2. Last evaluated: 2026-01-08. Review status: criteria provided, single submitter. Criteria: Invitae Variant Classification Sherloc (09022015). Collection method: clinical testing. Allele origin: germline.
Comment: This sequence change replaces tryptophan, which is neutral and slightly polar, with arginine, which is basic and polar, at codon 1056 of the RET protein (p.Trp1056Arg). This variant is present in population databases (rs373423271, gnomAD 0.0009%). This variant has not been reported in the literature in individuals affected with RET-related conditions. ClinVar contains an entry for this variant (Variation ID: 543728). An algorithm developed to predict the effect of missense changes on protein structure and function (PolyPhen-2) suggests that this variant is likely to be disruptive. In summary, the available evidence is currently insufficient to determine the role of this variant in disease. Therefore, it has been classified as a Variant of Uncertain Significance.

Ambry Genetics
Classification: Uncertain significance for Hereditary cancer-predisposing syndrome. Last evaluated: 2025-08-15. Review status: criteria provided, single submitter. Criteria: Ambry Variant Classification Scheme 2023. Collection method: clinical testing. Allele origin: germline.
Comment: The p.W1056R variant (also known as c.3166T>C), located in coding exon 19 of the RET gene, results from a T to C substitution at nucleotide position 3166. The tryptophan at codon 1056 is replaced by arginine, an amino acid with dissimilar properties. This variant was detected as heterozygous in individuals with no reported features of multiple endocrine neoplasia type 2 or Hirschsprung disease (Ambry internal data). This amino acid position is highly conserved in available vertebrate species. In addition, this alteration is predicted to be deleterious by in silico analysis. Based on the available evidence, the clinical significance of this variant remains unclear.

Blueprint Genetics
Classification: Uncertain significance. Last evaluated: 2020-08-13. Review status: criteria provided, single submitter. Criteria: ACMG Guidelines, 2015. Collection method: clinical testing. Allele origin: germline.

Literature cited by the submitters: PubMed 29684080 (cited by Ambry Genetics).

NM_020975.6(RET):c.3166T>C (p.Trp1056Arg)

Gene: RET (ret proto-oncogene; plus strand). Cytogenetic location: 10q11.21.
Variant type: single nucleotide variant.
Coding change: c.3166T>C on transcript NM_020975.6 (MANE Select); coding-DNA position 3166, T replaced by C.
Protein change: p.Trp1056Arg; replaces tryptophan 1056 with arginine.
Molecular consequence: missense variant.
Genome position (GRCh38, 1-based): chr10:43,126,701, T>C. VCF-style: chr10-43126701-T-C. GRCh37 (hg19) VCF-style: chr10-43622149-T-C.
Other names: c.3166T>C, p.Trp1056Arg (NM_000323.2, NM_001406743.1, NM_001406744.1 and 2 more transcripts); c.2404T>C, p.Trp802Arg (NM_001355216.2); c.3037T>C, p.Trp1013Arg (NM_001406761.1, NM_001406762.1, NM_001406764.1); c.3031T>C, p.Trp1011Arg (NM_001406763.1, NM_001406765.1); c.2878T>C, p.Trp960Arg (NM_001406766.1, NM_001406767.1, NM_001406770.1); c.2902T>C, p.Trp968Arg (NM_001406768.1); c.2770T>C, p.Trp924Arg (NM_001406769.1, NM_001406772.1); c.2728T>C, p.Trp910Arg (NM_001406771.1, NM_001406773.1); and 10 more; short protein forms W1056R, W802R, W573R, W712R, W881R, W717R, W726R, W910R.
Identifiers: ClinVar variation 543728 (VCV000543728.16), dbSNP rs373423271, ClinGen allele CA042873.
Genomic context (GRCh38, chr10:43,126,701, plus strand): 5'-GAGGAGACACCGCTGGTGGACTGTAATAATGCCCCCCTCCCTCGAGCCCTCCCTTCCACA[T>C]GGATTGAAAACAAACTCTATGGTAGAATTTCCCATGCATTTACTAGATTCTAGCACCGCT-3'
Protein context (NP_066124.1, residues 1046-1066): APLPRALPST[Trp1056Arg]IENKLYGMSD